The following is an entry in ClinVar:

ClinVar aggregate classification (germline): Benign (1 of 4 stars; one submission).

Allele frequency attached by ClinVar (database versions not stated): 1000 Genomes Project 0.00419; 1000 Genomes Project 30x 0.00468; TOPMed 0.00731; gnomAD 0.00912.
gnomAD v4.1: 1,393 of 152,310 alleles (0.91%); highest among the groups gnomAD compares: Middle Eastern, 1.7%; 12 homozygotes.

Submission:

CeGaT Center for Human Genetics Tuebingen
Classification: Benign. Last evaluated: 2023-05-01. Review status: criteria provided, single submitter. Criteria: CeGaT Center For Human Genetics Tuebingen Variant Classification Criteria Version 2. Collection method: clinical testing. Allele origin: germline. Affected: yes. Observed: 1 variant allele.
Comment: MYO3A: BS1, BS2

NM_017433.5(MYO3A):c.4546-2994T>C

Gene: MYO3A (myosin IIIA; plus strand). Cytogenetic location: 10p12.1.
Variant type: single nucleotide variant.
Coding change: c.4546-2994T>C on transcript NM_017433.5 (MANE Select); 2994 bases into the intron before coding-DNA position 4546, T replaced by C.
Molecular consequence: intron variant.
Genome position (GRCh38, 1-based): chr10:26,198,271, T>C. VCF-style: chr10-26198271-T-C. GRCh37 (hg19) VCF-style: chr10-26487200-T-C.
Identifiers: ClinVar variation 2640363 (VCV002640363.24), dbSNP rs77763464, ClinGen allele CA204380221.